The following is an entry in ClinVar:

ClinVar aggregate classification (germline): Likely benign (1 of 4 stars; one submission).

Allele frequency attached by ClinVar (database versions not stated): 1000 Genomes Project 30x 0.00016.
gnomAD v4.1: 103 of 1,603,524 alleles (0.0064%); highest among the groups gnomAD compares: Non-Finnish European, 0.008%; no homozygotes.

Submission:

CeGaT Center for Human Genetics Tuebingen
Classification: Likely benign. Last evaluated: 2026-05-01. Review status: criteria provided, single submitter. Criteria: CeGaT Center For Human Genetics Tuebingen Variant Classification Criteria Version 2. Collection method: clinical testing. Allele origin: germline. Affected: yes. Observed: 2 variant alleles.
Comment: EIF5A: BP4, BS2

NM_001370420.1(EIF5A):c.-52C>A

Gene: EIF5A (eukaryotic translation initiation factor 5A; plus strand). Cytogenetic location: 17p13.1.
Variant type: single nucleotide variant.
Coding change: c.-52C>A on transcript NM_001370420.1; 52 bases upstream of the start codon, C replaced by A.
Molecular consequence: 5 prime UTR variant. On other transcripts: missense variant (1).
Genome position (GRCh38, 1-based): chr17:7,307,083, C>A. VCF-style: chr17-7307083-C-A. GRCh37 (hg19) VCF-style: chr17-7210402-C-A.
Other names: c.37C>A, p.Arg13Ser (NM_001143760.1); short protein forms R13S.
Identifiers: ClinVar variation 2647325 (VCV002647325.22), dbSNP rs575429378, ClinGen allele CA8341443.